The following is an entry in ClinVar:

ClinVar aggregate classification (germline): Likely pathogenic (1 of 4 stars; one submission).

Conditions:
Blood group, ER (ER). Also called: ER BLOOD GROUP SYSTEM. Identifiers: MedGen C5703066, OMIM 620207.
Lymphatic malformation 6 (LMPHM6). Also called: GENERALIZED LYMPHATIC DYSPLASIA OF FOTIOU; PIEZO1-related generalized lymphatic dysplasia with non-immune hydrops fetalis; Lymphedema, hereditary, III. Identifiers: Orphanet 568062, MedGen C4225184, MONDO:0014797, OMIM 616843.
Dehydrated hereditary stomatocytosis with or without pseudohyperkalemia and/or perinatal edema (DHS1). Also called: Dehydrated hereditary stomatocytosis 1 with or without pseudohyperkalemia and/or perinatal edema; PSEUDOHYPERKALEMIA EDINBURGH; DEHYDRATED HEREDITARY STOMATOCYTOSIS AND PSEUDOHYPERKALEMIA; DEHYDRATED HEREDITARY STOMATOCYTOSIS WITH PSEUDOHYPERKALEMIA AND PERINATAL EDEMA; Pseudohyperkalemia, familial, 1, due to red cell leak. Identifiers: Orphanet 3202, MedGen C4551512, MONDO:0008689, OMIM 194380.

gnomAD v4.1: 3 of 1,534,796 alleles (0.0002%); highest among the groups gnomAD compares: Non-Finnish European, 0.00026%; no homozygotes.

Submission:

Juno Genomics, Hangzhou Juno Genomics, Inc
Classification: Likely pathogenic for Blood group, ER; Dehydrated hereditary stomatocytosis with or without pseudohyperkalemia and/or perinatal edema; Lymphatic malformation 6. Review status: criteria provided, single submitter. Criteria: ACMG Guidelines, 2015. Collection method: clinical testing. Allele origin: germline.
Comment: Absent from controls (or at extremely low frequency if recessive) in Genome Aggregation Database.;Null variant in a gene where loss of function (LOF) is a known mechanism of disease.

NM_001142864.4(PIEZO1):c.1108-2A>G

Genes: HSALR1 (HSP90AB1 associated lncRNA 1; plus strand), PIEZO1 (piezo type mechanosensitive ion channel component 1 (Er blood group); minus strand). Cytogenetic location: 16q24.3.
Variant type: single nucleotide variant.
Coding change: c.1108-2A>G on transcript NM_001142864.4 (MANE Select); the canonical splice acceptor site of the intron before coding-DNA position 1108, A replaced by G.
Molecular consequence: splice acceptor variant.
Genome position (GRCh38, 1-based): chr16:88,737,648, T>C on the plus strand (A>G on the coding strand, the complement: PIEZO1 is on the minus strand). VCF-style: chr16-88737648-T-C. GRCh37 (hg19) VCF-style: chr16-88804056-T-C.
Identifiers: ClinVar variation 5018734 (VCV005018734.2).